The following is an entry in ClinVar:

ClinVar aggregate classification (germline): Likely pathogenic (1 of 4 stars; one submission).

Conditions:
Alagille syndrome due to a JAG1 point mutation. Also called: JAG1-Related Alagille Syndrome; HEPATIC DUCTULAR HYPOPLASIA, SYNDROMATIC; Alagille Syndrome 1. Identifiers: Orphanet 261619, Orphanet 52, MedGen C1956125, MONDO:0016862, OMIM 118450.

Submission:

Molecular Genetics Department, Kulakov National Medical Research Center for Obstetrics, Gynecology and Perinatology
Classification: Likely pathogenic for Alagille syndrome due to a JAG1 point mutation. Review status: criteria provided, single submitter. Criteria: ACMG Guidelines, 2015. Collection method: clinical testing. Allele origin: germline. Affected: yes.
Comment: A previously undescribed nucleotide variant creates a premature translation stop signal p.Trp404Ter in the JAG1 gene. Loss-of-function variants are reported in patients with Alagille syndrome 1 (OMIM: 118450). The variant is not present in population database (gnomAD no frequency). In summary, the currently available evidence indicates that the variant is pathogenic, but additional data are needed to prove that conclusively. Therefore, this variant has been classified as likely pathogenic.

NM_000214.3(JAG1):c.1211G>A (p.Trp404Ter)

Gene: JAG1 (jagged canonical Notch ligand 1; minus strand). Cytogenetic location: 20p12.2.
Variant type: single nucleotide variant.
Coding change: c.1211G>A on transcript NM_000214.3 (MANE Select); coding-DNA position 1211, G replaced by A.
Protein change: p.Trp404Ter; replaces tryptophan 404 with a stop codon.
Molecular consequence: nonsense.
Genome position (GRCh38, 1-based): chr20:10,650,270, C>T on the plus strand (G>A on the coding strand, the complement: JAG1 is on the minus strand). VCF-style: chr20-10650270-C-T. GRCh37 (hg19) VCF-style: chr20-10630918-C-T.
Other names: short protein forms W404*.
Identifiers: ClinVar variation 3062231 (VCV003062231.1), dbSNP rs2514519130, ClinGen allele CA408238414.